The following is an entry in ClinVar:

NM_018843.4(SLC25A40):c.368C>T (p.Thr123Ile)

Gene: SLC25A40 (solute carrier family 25 member 40; minus strand). Cytogenetic location: 7q21.12.
Variant type: single nucleotide variant.
Coding change: c.368C>T on transcript NM_018843.4 (MANE Select); coding-DNA position 368, C replaced by T.
Protein change: p.Thr123Ile; replaces threonine 123 with isoleucine.
Molecular consequence: missense variant.
Genome position (GRCh38, 1-based): chr7:87,847,942, G>A on the plus strand (C>T on the coding strand, the complement: SLC25A40 is on the minus strand). VCF-style: chr7-87847942-G-A. GRCh37 (hg19) VCF-style: chr7-87477257-G-A.
Other names: c.368C>T (NM_018843.3); short protein forms T123I.
Identifiers: ClinVar variation 2657659 (VCV002657659.25), dbSNP rs724665, ClinGen allele CA4329334.

ClinVar aggregate classification (germline): Likely benign. Review status: criteria provided, single submitter (1 of 4 stars). 2 submissions from 2 submitters: Likely benign (1). 1 of the submissions does not count toward it. Last evaluated 2022-12-01.

Conditions:
SLC25A40-related disorder. Also called: SLC25A40-related condition.

Allele frequency attached by ClinVar (database versions not stated): 1000 Genomes Project 30x 0.00281; 1000 Genomes Project 0.00300; TOPMed 0.00445; gnomAD 0.00498; ESP Exome Variant Server 0.00561; ExAC 0.00588; gnomAD exomes 0.00676.
gnomAD v4.1: 10,506 of 1,609,120 alleles (0.65%); highest among the groups gnomAD compares: Non-Finnish European, 0.79%; 48 homozygotes.

Submissions (2):

CeGaT Center for Human Genetics Tuebingen
Classification: Likely benign. Last evaluated: 2022-12-01. Review status: criteria provided, single submitter. Criteria: CeGaT Center For Human Genetics Tuebingen Variant Classification Criteria Version 2. Collection method: clinical testing. Allele origin: germline. Affected: yes. Observed: 1 variant allele.
Comment: SLC25A40: BS2

PreventionGenetics, part of Exact Sciences
Classification: Benign for SLC25A40-related condition. Last evaluated: 2019-05-28. Review status: no assertion criteria provided. Collection method: clinical testing. Allele origin: germline. Not counted in ClinVar's aggregate classification.
Comment: This variant is classified as benign based on ACMG/AMP sequence variant interpretation guidelines (Richards et al. 2015 PMID: 25741868, with internal and published modifications).